The following is an entry in ClinVar:

ClinVar aggregate classification (germline): Uncertain significance. Review status: criteria provided, multiple submitters, no conflicts (2 of 4 stars). 2 submissions from 2 submitters: Uncertain significance (2). Last evaluated 2024-03-06.

Conditions:
Cardiomyopathy (CMYO). Also called: Cardiomyopathies. Identifiers: Orphanet 167848, MedGen C0878544, MONDO:0004994, HP:0001638. Inheritance: Various modes of inheritance.
Catecholaminergic polymorphic ventricular tachycardia 1. Also called: VENTRICULAR TACHYCARDIA, CATECHOLAMINERGIC POLYMORPHIC, 1, WITH OR WITHOUT ATRIAL DYSFUNCTION AND/OR DILATED CARDIOMYOPATHY; VENTRICULAR TACHYCARDIA, STRESS-INDUCED POLYMORPHIC 1; RYR2-Related Catecholaminergic Polymorphic Ventricular Tachycardia. Identifiers: Orphanet 3286, MedGen C1631597, MONDO:0011484, OMIM 604772.

Allele frequency attached by ClinVar (database versions not stated): gnomAD exomes below 0.00001.
gnomAD v4.1: 1 of 1,612,640 alleles (0.000062%); highest among the groups gnomAD compares: Non-Finnish European, 0.000085%; no homozygotes.

Submissions (2):

Color Diagnostics, LLC DBA Color Health
Classification: Uncertain significance for Cardiomyopathy. Last evaluated: 2024-03-06. Review status: criteria provided, single submitter. Criteria: ACMG Guidelines, 2015. Collection method: clinical testing. Allele origin: germline.
Comment: This missense variant replaces serine with leucine at codon 1429 of the RYR2 protein. Computational prediction tools and conservation analyses are inconclusive regarding the impact of this variant on protein structure and function. Splice site prediction tools suggest that this variant may not impact RNA splicing. To our knowledge, functional studies have not been performed for this variant. This variant has not been reported in individuals affected with cardiovascular disorders in the literature. This variant has not been identified in the general population by the Genome Aggregation Database (gnomAD). The available evidence is insufficient to determine the role of this variant in disease conclusively. Therefore, this variant is classified as a Variant of Uncertain Significance.

Labcorp Genetics (formerly Invitae), Labcorp
Classification: Uncertain significance for Catecholaminergic polymorphic ventricular tachycardia 1. Last evaluated: 2021-06-03. Review status: criteria provided, single submitter. Criteria: Invitae Variant Classification Sherloc (09022015). Collection method: clinical testing. Allele origin: germline.
Comment: This sequence change replaces serine with leucine at codon 1429 of the RYR2 protein (p.Ser1429Leu). The serine residue is highly conserved and there is a large physicochemical difference between serine and leucine. In summary, the available evidence is currently insufficient to determine the role of this variant in disease. Therefore, it has been classified as a Variant of Uncertain Significance. Advanced modeling of protein sequence and biophysical properties (such as structural, functional, and spatial information, amino acid conservation, physicochemical variation, residue mobility, and thermodynamic stability) performed at Invitae indicates that this missense variant is not expected to disrupt RYR2 protein function. This variant has not been reported in the literature in individuals with RYR2-related conditions. ClinVar contains an entry for this variant (Variation ID: 927226). This variant is not present in population databases (ExAC no frequency).

NM_001035.3(RYR2):c.4286C>T (p.Ser1429Leu)

Gene: RYR2 (ryanodine receptor 2; plus strand). Cytogenetic location: 1q43.
Variant type: single nucleotide variant.
Coding change: c.4286C>T on transcript NM_001035.3 (MANE Select); coding-DNA position 4286, C replaced by T.
Protein change: p.Ser1429Leu; replaces serine 1429 with leucine.
Molecular consequence: missense variant.
Genome position (GRCh38, 1-based): chr1:237,593,486, C>T. VCF-style: chr1-237593486-C-T. GRCh37 (hg19) VCF-style: chr1-237756786-C-T.
Other names: short protein forms S1429L.
Identifiers: ClinVar variation 927226 (VCV000927226.13), dbSNP rs1675464523, ClinGen allele CA345399513.
Genomic context (GRCh38, chr1:237,593,486, plus strand): 5'-TGTTTTGTTTAGTTTTACTTTGCCAATATTTGGTTCTGCTATCTTCACAGTACTATTACT[C>T]AGTGAGAATCTTTCCTGGACAAGAACCTGCTAATGTCTGGGTGGGCTGGATTACATCAGA-3'
Protein context (NP_001026.2, residues 1419-1439): FLMQTSTYYY[Ser1429Leu]VRIFPGQEPA